The following is an entry in ClinVar:

NM_004115.4(FGF14):c.88C>T (p.Arg30Trp)

Gene: FGF14 (fibroblast growth factor 14; minus strand). Cytogenetic location: 13q33.1.
Variant type: single nucleotide variant.
Coding change: c.88C>T on transcript NM_004115.4 (MANE Select); coding-DNA position 88, C replaced by T.
Protein change: p.Arg30Trp; replaces arginine 30 with tryptophan.
Molecular consequence: missense variant. On other transcripts: intron variant (21).
Genome position (GRCh38, 1-based): chr13:101,916,558, G>A on the plus strand (C>T on the coding strand, the complement: FGF14 is on the minus strand). VCF-style: chr13-101916558-G-A. GRCh37 (hg19) VCF-style: chr13-102568908-G-A.
Other names: c.53-41262C>T (NM_001321947.2); c.92-41262C>T (NM_001379342.1, NM_001321948.2, NM_001321945.2); c.-59-41262C>T (NM_001321946.2, NM_001321949.1, NM_001321943.1 and 4 more transcripts); c.14-41262C>T (NM_001321938.2, NM_001321940.1, NM_001321933.1); c.209-47730C>T (NM_001321939.2); c.209-41262C>T (NM_175929.3, NM_001321937.2); c.8-41262C>T (NM_001321941.2); c.5-41262C>T (NM_001321944.1, NM_001321936.1, NM_001321932.1); short protein forms R30W.
Identifiers: ClinVar variation 3250803 (VCV003250803.18), dbSNP rs750276006.
Genomic context (GRCh38, chr13:101,916,558, plus strand): 5'-TGGAGAAGATATCCACCAGGTTGCCGTTGCAGAGCCCGCGGTTCTTGCTGGGGCTGCTCC[G>A]CCTCCTGCTGGCAGACGGCCGGTCCCAGTGCTGCTCCCGCGCCTGCCGCTTCTGGCGGAT-3'
Protein context (NP_004106.1, residues 20-40): HWDRPSASRR[Arg30Trp]SSPSKNRGLC

ClinVar aggregate classification (germline): Likely benign (1 of 4 stars; one submission).

Allele frequency attached by ClinVar (database versions not stated): ExAC 0.00001; gnomAD exomes 0.00001; TOPMed 0.00003; gnomAD 0.00006.
gnomAD v4.1: 24 of 1,612,778 alleles (0.0015%); highest among the groups gnomAD compares: African/African-American, 0.027%; no homozygotes.

Submission:

CeGaT Center for Human Genetics Tuebingen
Classification: Likely benign. Last evaluated: 2024-06-01. Review status: criteria provided, single submitter. Criteria: CeGaT Center For Human Genetics Tuebingen Variant Classification Criteria Version 2. Collection method: clinical testing. Allele origin: germline. Affected: yes. Observed: 1 variant allele.
Comment: FGF14: BP4